The following is an entry in ClinVar:

NM_152617.4(RNF168):c.106T>A (p.Cys36Ser)

Gene: RNF168 (ring finger protein 168; minus strand). Cytogenetic location: 3q29.
Variant type: single nucleotide variant.
Coding change: c.106T>A on transcript NM_152617.4 (MANE Select); coding-DNA position 106, T replaced by A.
Protein change: p.Cys36Ser; replaces cysteine 36 with serine.
Molecular consequence: missense variant.
Genome position (GRCh38, 1-based): chr3:196,503,068, A>T on the plus strand (T>A on the coding strand, the complement: RNF168 is on the minus strand). VCF-style: chr3-196503068-A-T. GRCh37 (hg19) VCF-style: chr3-196229939-A-T.
Other names: short protein forms C36S.
Identifiers: ClinVar variation 1368916 (VCV001368916.5), dbSNP rs754483267, ClinGen allele CA355628233.
Genomic context (GRCh38, chr3:196,503,068, plus strand): 5'-GGCGACAGAAGGGACAGCATAAACTCGCCTTTTCGACGGTCGACTGGAAGCACGGTTTAC[A>T]CAGCGTGTGGTTACACGGGAGGGTGACGGGCTCCACGAGGATTTCCATGCAGATCCCGCA-3'
Protein context (NP_689830.2, residues 26-46): PVTLPCNHTL[Cys36Ser]KPCFQSTVEK

ClinVar aggregate classification (germline): Uncertain significance (1 of 4 stars; one submission).

Allele frequency attached by ClinVar (database versions not stated): TOPMed below 0.00001; gnomAD 0.00001 and 0.00002.
gnomAD v4.1: 2 of 1,614,058 alleles (0.00012%); highest among the groups gnomAD compares: African/African-American, 0.0027%; no homozygotes.

Submission:

Labcorp Genetics (formerly Invitae), Labcorp
Classification: Uncertain significance. Last evaluated: 2021-08-09. Review status: criteria provided, single submitter. Criteria: Invitae Variant Classification Sherloc (09022015). Collection method: clinical testing. Allele origin: germline.
Comment: In summary, the available evidence is currently insufficient to determine the role of this variant in disease. Therefore, it has been classified as a Variant of Uncertain Significance. Algorithms developed to predict the effect of missense changes on protein structure and function are either unavailable or do not agree on the potential impact of this missense change (SIFT: "Deleterious"; PolyPhen-2: "Probably Damaging"; Align-GVGD: "Class C0"). This variant has not been reported in the literature in individuals affected with RNF168-related conditions. This variant is not present in population databases (ExAC no frequency). This sequence change replaces cysteine with serine at codon 36 of the RNF168 protein (p.Cys36Ser). The cysteine residue is highly conserved and there is a moderate physicochemical difference between cysteine and serine.